The following is an entry in ClinVar:

NM_003611.3(OFD1):c.431T>A (p.Leu144Ter)

Gene: OFD1 (OFD1 centriole and centriolar satellite protein; plus strand). Cytogenetic location: Xp22.2.
Variant type: single nucleotide variant.
Coding change: c.431T>A on transcript NM_003611.3 (MANE Select); coding-DNA position 431, T replaced by A.
Protein change: p.Leu144Ter; replaces leucine 144 with a stop codon.
Molecular consequence: nonsense.
Genome position (GRCh38, 1-based): chrX:13,744,433, T>A. VCF-style: chrX-13744433-T-A. GRCh37 (hg19) VCF-style: chrX-13762552-T-A.
Other names: c.431T>A, p.Leu144Ter (NM_001330209.2); c.11T>A, p.Leu4Ter (NM_001330210.2); short protein forms L144*, L4*.
Identifiers: ClinVar variation 3377958 (VCV003377958.1).

ClinVar aggregate classification (germline): Pathogenic (1 of 4 stars; one submission).

Submission:

GeneDx
Classification: Pathogenic. Last evaluated: 2024-05-17. Review status: criteria provided, single submitter. Criteria: GeneDx Variant Classification Process June 2021. Collection method: clinical testing. Allele origin: germline. Affected: yes.
Comment: Nonsense variant predicted to result in protein truncation or nonsense mediated decay in a gene for which loss of function is a known mechanism of disease; Not observed at significant frequency in large population cohorts (gnomAD); This variant is associated with the following publications: (PMID: 25525159, 16397067)